The following is an entry in ClinVar:

ClinVar aggregate classification (germline): Uncertain significance (1 of 4 stars; one submission).

Allele frequency attached by ClinVar (database versions not stated): gnomAD 0.00002 and 0.00003; ExAC 0.00006; gnomAD exomes 0.00006 and 0.00008; TOPMed 0.00009; 1000 Genomes Project 30x 0.00031; 1000 Genomes Project 0.00040.
gnomAD v4.1: 97 of 1,613,982 alleles (0.006%); highest among the groups gnomAD compares: East Asian, 0.13%; no homozygotes.

Submission:

Labcorp Genetics (formerly Invitae), Labcorp
Classification: Uncertain significance. Last evaluated: 2024-03-20. Review status: criteria provided, single submitter. Criteria: Invitae Variant Classification Sherloc (09022015). Collection method: clinical testing. Allele origin: germline.
Comment: This sequence change replaces valine, which is neutral and non-polar, with methionine, which is neutral and non-polar, at codon 387 of the CLCN6 protein (p.Val387Met). This variant is present in population databases (rs201349073, gnomAD 0.07%), and has an allele count higher than expected for a pathogenic variant. This missense change has been observed in individual(s) with febrile seizures (PMID: 25794116). ClinVar contains an entry for this variant (Variation ID: 1449606). An algorithm developed to predict the effect of missense changes on protein structure and function (PolyPhen-2) suggests that this variant is likely to be tolerated. In summary, the available evidence is currently insufficient to determine the role of this variant in disease. Therefore, it has been classified as a Variant of Uncertain Significance.

Literature cited by the submitters: PubMed 25794116.

NM_001286.5(CLCN6):c.1159G>A (p.Val387Met)

Gene: CLCN6 (chloride voltage-gated channel 6; plus strand). Cytogenetic location: 1p36.22.
Variant type: single nucleotide variant.
Coding change: c.1159G>A on transcript NM_001286.5 (MANE Select); coding-DNA position 1159, G replaced by A.
Protein change: p.Val387Met; replaces valine 387 with methionine.
Molecular consequence: missense variant. On other transcripts: non-coding transcript variant (1).
Genome position (GRCh38, 1-based): chr1:11,829,233, G>A. VCF-style: chr1-11829233-G-A. GRCh37 (hg19) VCF-style: chr1-11889290-G-A.
Other names: c.1093G>A, p.Val365Met (NM_001256959.2); short protein forms V387M, V365M.
Identifiers: ClinVar variation 1449606 (VCV001449606.6), dbSNP rs201349073, ClinGen allele CA596374.